The following is an entry in ClinVar:

ClinVar aggregate classification (germline): Uncertain significance. Review status: criteria provided, multiple submitters, no conflicts (2 of 4 stars). 3 submissions from 3 submitters: Uncertain significance (3). Last evaluated 2024-07-31.

Conditions:
Kabuki syndrome 1 (KABUK1). Also called: KMT2D-Related Kabuki Syndrome. Identifiers: Orphanet 2322, MedGen CN030661, MONDO:0007843, OMIM 147920.
Choanal atresia-athelia-hypothyroidism-delayed puberty-short stature syndrome (BCAHH). Also called: BRANCHIAL ARCH ABNORMALITIES, CHOANAL ATRESIA, ATHELIA, HEARING LOSS, AND HYPOTHYROIDISM SYNDROME. Identifiers: Orphanet 589856, MedGen C5680310, MONDO:0035651, OMIM 620186.
Kabuki syndrome. Also called: Kabuki make-up syndrome; NIIKAWA-KUROKI SYNDROME. Identifiers: Orphanet 2322, MedGen C0796004, MONDO:0016512.

Allele frequency attached by ClinVar (database versions not stated): gnomAD exomes 0.00001; TOPMed 0.00001.

Submissions (3):

Labcorp Genetics (formerly Invitae), Labcorp
Classification: Uncertain significance for Kabuki syndrome. Last evaluated: 2024-07-31. Review status: criteria provided, single submitter. Criteria: Invitae Variant Classification Sherloc (09022015). Collection method: clinical testing. Allele origin: germline.
Comment: This sequence change replaces threonine, which is neutral and polar, with isoleucine, which is neutral and non-polar, at codon 944 of the KMT2D protein (p.Thr944Ile). This variant is not present in population databases (gnomAD no frequency). This variant has not been reported in the literature in individuals affected with KMT2D-related conditions. ClinVar contains an entry for this variant (Variation ID: 2433233). Advanced modeling of protein sequence and biophysical properties (such as structural, functional, and spatial information, amino acid conservation, physicochemical variation, residue mobility, and thermodynamic stability) performed at Invitae indicates that this missense variant is not expected to disrupt KMT2D protein function with a negative predictive value of 95%. In summary, the available evidence is currently insufficient to determine the role of this variant in disease. Therefore, it has been classified as a Variant of Uncertain Significance.

Fulgent Genetics
Classification: Uncertain significance for Kabuki syndrome 1; Choanal atresia-athelia-hypothyroidism-delayed puberty-short stature syndrome. Last evaluated: 2024-01-21. Review status: criteria provided, single submitter. Criteria: ACMG Guidelines, 2015. Collection method: clinical testing. Allele origin: germline.

Revvity Omics, Revvity
Classification: Uncertain significance. Last evaluated: 2019-07-17. Review status: criteria provided, single submitter. Criteria: ACMG Guidelines, 2015. Collection method: clinical testing. Allele origin: germline.

NM_003482.4(KMT2D):c.2831C>T (p.Thr944Ile)

Gene: KMT2D (lysine methyltransferase 2D; minus strand). Cytogenetic location: 12q13.12.
Variant type: single nucleotide variant.
Coding change: c.2831C>T on transcript NM_003482.4 (MANE Select); coding-DNA position 2831, C replaced by T.
Protein change: p.Thr944Ile; replaces threonine 944 with isoleucine.
Molecular consequence: missense variant.
Genome position (GRCh38, 1-based): chr12:49,050,757, G>A on the plus strand (C>T on the coding strand, the complement: KMT2D is on the minus strand). VCF-style: chr12-49050757-G-A. GRCh37 (hg19) VCF-style: chr12-49444540-G-A.
Other names: short protein forms T944I.
Identifiers: ClinVar variation 2433233 (VCV002433233.6), dbSNP rs200402575, ClinGen allele CA236618545.